The following is an entry in ClinVar:

ClinVar aggregate classification (germline): Likely benign. Review status: criteria provided, multiple submitters, no conflicts (2 of 4 stars). 3 submissions from 3 submitters: Likely benign (3). Last evaluated 2025-05-05.

Allele frequency attached by ClinVar (database versions not stated): gnomAD exomes 0.00004 and 0.00007; TOPMed 0.00005; gnomAD 0.00006 and 0.00007; ExAC 0.00007; 1000 Genomes Project 30x 0.00016; 1000 Genomes Project 0.00020.
gnomAD v4.1: 115 of 1,613,928 alleles (0.0071%); highest among the groups gnomAD compares: South Asian, 0.0077%; no homozygotes.

Submissions (3):

Labcorp Genetics (formerly Invitae), Labcorp
Classification: Likely benign. Last evaluated: 2025-05-05. Review status: criteria provided, single submitter. Criteria: Invitae Variant Classification Sherloc (09022015). Collection method: clinical testing. Allele origin: germline.

Blueprint Genetics
Classification: Likely benign. Last evaluated: 2024-09-06. Review status: criteria provided, single submitter. Criteria: ACMG Guidelines, 2015. Collection method: clinical testing. Allele origin: germline.

CeGaT Center for Human Genetics Tuebingen
Classification: Likely benign. Last evaluated: 2022-03-01. Review status: criteria provided, single submitter. Criteria: CeGaT Center For Human Genetics Tuebingen Variant Classification Criteria Version 2. Collection method: clinical testing. Allele origin: germline. Affected: yes. Observed: 1 variant allele.
Comment: KIAA1549: BP4, BP7

NM_001164665.2(KIAA1549):c.336G>A (p.Pro112=)

Gene: KIAA1549 (KIAA1549; minus strand). Cytogenetic location: 7q34.
Variant type: single nucleotide variant.
Coding change: c.336G>A on transcript NM_001164665.2 (MANE Select); coding-DNA position 336, G replaced by A.
Protein change: p.Pro112=; no amino-acid change (proline 112 retained).
Molecular consequence: synonymous variant.
Genome position (GRCh38, 1-based): chr7:138,919,290, C>T on the plus strand (G>A on the coding strand, the complement: KIAA1549 is on the minus strand). VCF-style: chr7-138919290-C-T. GRCh37 (hg19) VCF-style: chr7-138604036-C-T.
Other names: c.336G>A, p.Pro112= (NM_020910.3).
Identifiers: ClinVar variation 1128576 (VCV001128576.33), dbSNP rs573490426, ClinGen allele CA4506967.